The following is an entry in ClinVar:

NM_000181.4(GUSB):c.1285G>T (p.Val429Leu)

Gene: GUSB (glucuronidase beta; minus strand). Cytogenetic location: 7q11.21.
Variant type: single nucleotide variant.
Coding change: c.1285G>T on transcript NM_000181.4 (MANE Select); coding-DNA position 1285, G replaced by T.
Protein change: p.Val429Leu; replaces valine 429 with leucine.
Molecular consequence: missense variant. On other transcripts: non-coding transcript variant (1).
Genome position (GRCh38, 1-based): chr7:65,974,401, C>A on the plus strand (G>T on the coding strand, the complement: GUSB is on the minus strand). VCF-style: chr7-65974401-C-A. GRCh37 (hg19) VCF-style: chr7-65439388-C-A.
Other names: c.1285G>T (NM_000181.3); c.847G>T, p.Val283Leu (NM_001284290.2); c.715G>T, p.Val239Leu (NM_001293104.2); c.628G>T, p.Val210Leu (NM_001293105.2); short protein forms V210L, V239L, V283L, V429L.
Identifiers: ClinVar variation 1720244 (VCV001720244.5), dbSNP rs376131143, ClinGen allele CA367643683.
Genomic context (GRCh38, chr7:65,974,401, plus strand): 5'-CCACAGACCACATCACGACCGCGGGGTGGTTCTTGTCCCTACGCACCACTTCTTCCATCA[C>A]CTGCATGTGGTGATGCAGAGAAACGTTGTTGAAGAACTGCCTGCGGGCCAGGAGGGAAGG-3'
Protein context (NP_000172.2, residues 419-439): NNVSLHHHMQ[Val429Leu]MEEVVRRDKN

ClinVar aggregate classification (germline): Uncertain significance. Review status: criteria provided, multiple submitters, no conflicts (2 of 4 stars). 2 submissions from 2 submitters: Uncertain significance (2). Last evaluated 2025-07-31.

Conditions:
Inborn genetic diseases. Identifiers: MedGen C0950123, MeSH D030342.
Mucopolysaccharidosis type 7 (MPS7). Also called: BETA-GLUCURONIDASE DEFICIENCY; SLY SYNDROME; GUSB DEFICIENCY; MPS VII. Identifiers: Orphanet 584, MedGen C0085132, MONDO:0009662, OMIM 253220.

Submissions (2):

Labcorp Genetics (formerly Invitae), Labcorp
Classification: Uncertain significance for Mucopolysaccharidosis type 7. Last evaluated: 2025-07-31. Review status: criteria provided, single submitter. Criteria: Invitae Variant Classification Sherloc (09022015). Collection method: clinical testing. Allele origin: germline.
Comment: This sequence change replaces valine, which is neutral and non-polar, with leucine, which is neutral and non-polar, at codon 429 of the GUSB protein (p.Val429Leu). This variant is not present in population databases (gnomAD no frequency). This variant has not been reported in the literature in individuals affected with GUSB-related conditions. ClinVar contains an entry for this variant (Variation ID: 1720244). Invitae Evidence Modeling of protein sequence and biophysical properties (such as structural, functional, and spatial information, amino acid conservation, physicochemical variation, residue mobility, and thermodynamic stability) indicates that this missense variant is not expected to disrupt GUSB protein function with a negative predictive value of 80%. In summary, the available evidence is currently insufficient to determine the role of this variant in disease. Therefore, it has been classified as a Variant of Uncertain Significance.

Ambry Genetics
Classification: Uncertain significance for Inborn genetic diseases. Last evaluated: 2023-06-05. Review status: criteria provided, single submitter. Criteria: Ambry Variant Classification Scheme 2023. Collection method: clinical testing. Allele origin: germline.